The following is an entry in ClinVar:

ClinVar aggregate classification (germline): Uncertain significance. Review status: criteria provided, multiple submitters, no conflicts (2 of 4 stars). 2 submissions from 2 submitters: Uncertain significance (2). Last evaluated 2024-02-23.

Conditions:
Choanal atresia-athelia-hypothyroidism-delayed puberty-short stature syndrome (BCAHH). Also called: BRANCHIAL ARCH ABNORMALITIES, CHOANAL ATRESIA, ATHELIA, HEARING LOSS, AND HYPOTHYROIDISM SYNDROME. Identifiers: Orphanet 589856, MedGen C5680310, MONDO:0035651, OMIM 620186.
Kabuki syndrome 1 (KABUK1). Also called: KMT2D-Related Kabuki Syndrome. Identifiers: Orphanet 2322, MedGen CN030661, MONDO:0007843, OMIM 147920.
Kabuki syndrome. Also called: Kabuki make-up syndrome; NIIKAWA-KUROKI SYNDROME. Identifiers: Orphanet 2322, MedGen C0796004, MONDO:0016512.

Allele frequency attached by ClinVar (database versions not stated): gnomAD exomes below 0.00001; gnomAD 0.00001; TOPMed 0.00001.
gnomAD v4.1: 5 of 1,613,000 alleles (0.00031%); highest among the groups gnomAD compares: African/African-American, 0.0027%; no homozygotes.

Submissions (2):

Labcorp Genetics (formerly Invitae), Labcorp
Classification: Uncertain significance for Kabuki syndrome. Last evaluated: 2024-02-23. Review status: criteria provided, single submitter. Criteria: Invitae Variant Classification Sherloc (09022015). Collection method: clinical testing. Allele origin: germline.
Comment: This sequence change replaces arginine, which is basic and polar, with cysteine, which is neutral and slightly polar, at codon 2905 of the KMT2D protein (p.Arg2905Cys). This variant is not present in population databases (gnomAD no frequency). This variant has not been reported in the literature in individuals affected with KMT2D-related conditions. ClinVar contains an entry for this variant (Variation ID: 2194421). Advanced modeling of protein sequence and biophysical properties (such as structural, functional, and spatial information, amino acid conservation, physicochemical variation, residue mobility, and thermodynamic stability) performed at Invitae indicates that this missense variant is not expected to disrupt KMT2D protein function with a negative predictive value of 95%. In summary, the available evidence is currently insufficient to determine the role of this variant in disease. Therefore, it has been classified as a Variant of Uncertain Significance.

Fulgent Genetics
Classification: Uncertain significance for Kabuki syndrome 1; Choanal atresia-athelia-hypothyroidism-delayed puberty-short stature syndrome. Last evaluated: 2024-02-22. Review status: criteria provided, single submitter. Criteria: ACMG Guidelines, 2015. Collection method: clinical testing. Allele origin: germline.

NM_003482.4(KMT2D):c.8713C>T (p.Arg2905Cys)

Gene: KMT2D (lysine methyltransferase 2D; minus strand). Cytogenetic location: 12q13.12.
Variant type: single nucleotide variant.
Coding change: c.8713C>T on transcript NM_003482.4 (MANE Select); coding-DNA position 8713, C replaced by T.
Protein change: p.Arg2905Cys; replaces arginine 2905 with cysteine.
Molecular consequence: missense variant.
Genome position (GRCh38, 1-based): chr12:49,038,643, G>A on the plus strand (C>T on the coding strand, the complement: KMT2D is on the minus strand). VCF-style: chr12-49038643-G-A. GRCh37 (hg19) VCF-style: chr12-49432426-G-A.
Other names: short protein forms R2905C.
Identifiers: ClinVar variation 2194421 (VCV002194421.5), dbSNP rs1170466072, ClinGen allele CA384741075.